The following is an entry in ClinVar:

ClinVar aggregate classification (germline): Benign/Likely benign. Review status: criteria provided, multiple submitters, no conflicts (2 of 4 stars). 2 submissions from 2 submitters: Benign (1); Likely benign (1). Last evaluated 2025-10-06.

Allele frequency attached by ClinVar (database versions not stated): ExAC 0.00001; gnomAD exomes 0.00004; gnomAD 0.00036; TOPMed 0.00051.
gnomAD v4.1: 78 of 1,209,811 alleles (0.0064%); highest among the groups gnomAD compares: Admixed American, 0.13%; 2 homozygotes.

Submissions (2):

Labcorp Genetics (formerly Invitae), Labcorp
Classification: Benign. Last evaluated: 2025-10-06. Review status: criteria provided, single submitter. Criteria: Invitae Variant Classification Sherloc (09022015). Collection method: clinical testing. Allele origin: germline.

CeGaT Center for Human Genetics Tuebingen
Classification: Likely benign. Last evaluated: 2022-12-01. Review status: criteria provided, single submitter. Criteria: CeGaT Center For Human Genetics Tuebingen Variant Classification Criteria Version 2. Collection method: clinical testing. Allele origin: germline. Affected: yes. Observed: 1 variant allele.
Comment: TAF1: BP4, BP7, BS2

NM_004606.5(TAF1):c.4302C>T (p.Asn1434=)

Gene: TAF1 (TATA-box binding protein associated factor 1; plus strand). Cytogenetic location: Xq13.1.
Variant type: single nucleotide variant.
Coding change: c.4302C>T on transcript NM_004606.5 (MANE Select); coding-DNA position 4302, C replaced by T.
Protein change: p.Asn1434=; no amino-acid change (asparagine 1434 retained).
Molecular consequence: synonymous variant. On other transcripts: non-coding transcript variant (9).
Genome position (GRCh38, 1-based): chrX:71,408,069, C>T. VCF-style: chrX-71408069-C-T. GRCh37 (hg19) VCF-style: chrX-70627919-C-T.
Other names: c.4302C>T, p.Asn1434= (NM_001286074.2); c.4239C>T, p.Asn1413= (NM_138923.4).
Identifiers: ClinVar variation 2163948 (VCV002163948.28), dbSNP rs781666863, ClinGen allele CA10447146.